The following is an entry in ClinVar:

ClinVar aggregate classification (germline): Uncertain significance (1 of 4 stars; one submission).

Allele frequency attached by ClinVar (database versions not stated): TOPMed below 0.00001.

Submission:

Labcorp Genetics (formerly Invitae), Labcorp
Classification: Uncertain significance. Last evaluated: 2023-11-15. Review status: criteria provided, single submitter. Criteria: Invitae Variant Classification Sherloc (09022015). Collection method: clinical testing. Allele origin: germline.
Comment: This sequence change replaces lysine, which is basic and polar, with isoleucine, which is neutral and non-polar, at codon 33 of the PRPF8 protein (p.Lys33Ile). This variant is not present in population databases (gnomAD no frequency). This variant has not been reported in the literature in individuals affected with PRPF8-related conditions. An algorithm developed to predict the effect of missense changes on protein structure and function (PolyPhen-2) suggests that this variant is likely to be disruptive. In summary, the available evidence is currently insufficient to determine the role of this variant in disease. Therefore, it has been classified as a Variant of Uncertain Significance.

NM_006445.4(PRPF8):c.98A>T (p.Lys33Ile)

Gene: PRPF8 (pre-mRNA processing factor 8; minus strand). Cytogenetic location: 17p13.3.
Variant type: single nucleotide variant.
Coding change: c.98A>T on transcript NM_006445.4 (MANE Select); coding-DNA position 98, A replaced by T.
Protein change: p.Lys33Ile; replaces lysine 33 with isoleucine.
Molecular consequence: missense variant.
Genome position (GRCh38, 1-based): chr17:1,684,474, T>A on the plus strand (A>T on the coding strand, the complement: PRPF8 is on the minus strand). VCF-style: chr17-1684474-T-A. GRCh37 (hg19) VCF-style: chr17-1587768-T-A.
Other names: short protein forms K33I.
Identifiers: ClinVar variation 2696191 (VCV002696191.3), dbSNP rs931329488, ClinGen allele CA286819579.
Genomic context (GRCh38, chr17:1,684,474, plus strand): 5'-CGCGCGCGCACACCCGCCCCGCCTCCGGCCCGCGCGCCGCTCCACACTCTCGCCTCACCT[T>A]TCTCCTGCAGCTTCTCCTCCGACATGTAGTCCGGTAGCGGGGCTAGAGGGCCAGGCACCG-3'
Protein context (NP_006436.3, residues 23-43): DYMSEEKLQE[Lys33Ile]ARKWQQLQAK